The following is an entry in ClinVar:

NM_000179.3(MSH6):c.2318T>C (p.Leu773Pro)

Gene: MSH6 (mutS homolog 6; plus strand). Cytogenetic location: 2p16.3.
Variant type: single nucleotide variant.
Coding change: c.2318T>C on transcript NM_000179.3 (MANE Select); coding-DNA position 2318, T replaced by C.
Protein change: p.Leu773Pro; replaces leucine 773 with proline.
Molecular consequence: missense variant.
Genome position (GRCh38, 1-based): chr2:47,800,301, T>C. VCF-style: chr2-47800301-T-C. GRCh37 (hg19) VCF-style: chr2-48027440-T-C.
Other names: c.1928T>C, p.Leu643Pro (NM_001281492.2); c.1412T>C, p.Leu471Pro (NM_001281493.2, NM_001281494.2); short protein forms L773P, L471P, L643P.
Identifiers: ClinVar variation 216307 (VCV000216307.16), dbSNP rs863224623, ClinGen allele CA337352.

ClinVar aggregate classification (germline): Conflicting classifications of pathogenicity. Review status: criteria provided, conflicting classifications (1 of 4 stars). 4 submissions from 4 submitters: Likely pathogenic (2); Uncertain significance (2). Last evaluated 2025-10-15.

Conditions:
Hereditary nonpolyposis colorectal neoplasms. Identifiers: MedGen C0009405, MeSH D003123.
Hereditary cancer-predisposing syndrome. Also called: Hereditary Cancer Syndrome; Hereditary neoplastic syndrome; Neoplastic Syndromes, Hereditary; Tumor predisposition. Identifiers: Orphanet 140162, MedGen C0027672, MeSH D009386, MONDO:0015356.
Lynch syndrome 5 (LYNCH5). Also called: Hereditary non-polyposis colorectal cancer, type 5; Colorectal cancer, hereditary nonpolyposis, type 5. Identifiers: Orphanet 144, MedGen C1833477, MONDO:0013710, OMIM 614350. Disease mechanism: loss of function.

Submissions (4):

Ambry Genetics
Classification: Likely pathogenic for Hereditary cancer-predisposing syndrome. Last evaluated: 2025-10-15. Review status: criteria provided, single submitter. Criteria: Ambry Variant Classification Scheme 2023. Collection method: clinical testing. Allele origin: germline.
Comment: The p.L773P variant (also known as c.2318T>C), located in coding exon 4 of the MSH6 gene, results from a T to C substitution at nucleotide position 2318. The leucine at codon 773 is replaced by proline, an amino acid with similar properties. In an assay testing MSH6 function, this variant showed a functionally abnormal result (Drost M et al. Genet Med, 2020 May;22:847-856). This amino acid position is highly conserved in available vertebrate species. In addition, this alteration is predicted to be deleterious by in silico analysis. Based on the majority of available evidence to date, this variant is likely to be pathogenic.

Color Diagnostics, LLC DBA Color Health
Classification: Uncertain significance for Hereditary cancer-predisposing syndrome. Last evaluated: 2023-12-04. Review status: criteria provided, single submitter. Criteria: ACMG Guidelines, 2015. Collection method: clinical testing. Allele origin: germline.
Comment: This missense variant replaces leucine with proline at codon 773 of the MSH6 protein. Computational prediction suggests that this variant may have deleterious impact on protein structure and function (internally defined REVEL score threshold >= 0.7, PMID: 27666373). To our knowledge, functional studies have not been reported for this variant. This variant has not been reported in individuals affected with MSH6-related disorders in the literature. This variant has not been identified in the general population by the Genome Aggregation Database (gnomAD). The available evidence is insufficient to determine the role of this variant in disease conclusively. Therefore, this variant is classified as a Variant of Uncertain Significance.

Myriad Genetics, Inc.
Classification: Likely pathogenic for Lynch syndrome 5. Last evaluated: 2023-08-16. Review status: criteria provided, single submitter. Criteria: Myriad Autosomal Dominant, Autosomal Recessive and X-Linked Classification Criteria (2023). Collection method: clinical testing. Allele origin: unknown.
Comment: This variant is considered likely pathogenic. Functional studies indicate this variant impacts protein function [PMID: 31965077]. This variant is expected to disrupt protein structure [Myriad internal data].

Labcorp Genetics (formerly Invitae), Labcorp
Classification: Uncertain significance for Hereditary nonpolyposis colorectal neoplasms. Last evaluated: 2015-02-07. Review status: criteria provided, single submitter. Criteria: Invitae Variant Classification Sherloc (09022015). Collection method: clinical testing. Allele origin: germline.
Comment: Algorithms developed to predict the effect of missense changes on protein structure and function (SIFT, PolyPhen-2, Align-GVGD) all suggest that this variant is likely to be disruptive, but these predictions have not been confirmed by published functional studies. In summary, this is a novel missense change with uncertain impact on protein function. It has been classified as a Variant of Uncertain Significance. This variant has not been published in the literature and is not present in population databases. This sequence change replaces leucine with proline at codon 773 of the MSH6 protein (p.Leu773Pro). The leucine residue is highly conserved and there is a moderate physicochemical difference between leucine and proline.

Literature cited by the submitters: PubMed 31965077 (cited by Ambry Genetics and Myriad Genetics, Inc.).